The following is an entry in ClinVar:

NM_015662.3(IFT172):c.2074del (p.Glu692fs)

Gene: IFT172 (intraflagellar transport 172; minus strand). Cytogenetic location: 2p23.3.
Variant type: Deletion.
Coding change: c.2074del on transcript NM_015662.3 (MANE Select); coding-DNA position 2074, one base deleted (G; older notation c.2074delG).
Protein change: p.Glu692fs; shifts the reading frame from glutamic acid 692.
Molecular consequence: frameshift variant.
Genome position (GRCh38, 1-based): chr2:27,462,742, C deleted on the plus strand (G on the coding strand, the reverse complement: IFT172 is on the minus strand); the first of 2 consecutive C bases (chr2:27,462,742-27,462,743); deleting either gives the same sequence. VCF-style (leftmost placement, unchanged base first): chr2-27462741-TC-T. GRCh37 (hg19) VCF-style: chr2-27685608-TC-T.
Other names: c.2074delG (NM_015662.2); c.2008del, p.Glu670fs (NM_001410739.1); short protein forms E670fs, E692fs.
Identifiers: ClinVar variation 3586341 (VCV003586341.2).

ClinVar aggregate classification (germline): Likely pathogenic. Review status: criteria provided, multiple submitters, no conflicts (2 of 4 stars). 2 submissions from 2 submitters: Likely pathogenic (2). Last evaluated 2026-07-13.

Conditions:
Short-rib thoracic dysplasia 10 with or without polydactyly (SRTD10). Identifiers: Orphanet 474, MedGen C3810175, MONDO:0014284, OMIM 615630.
Bardet-Biedl syndrome 20. Identifiers: MedGen C4310707, MONDO:0023670, OMIM 619471, MONDO:0014926.
Retinitis pigmentosa 71 (RP71). Identifiers: Orphanet 791, MedGen C4225342, MONDO:0014618, OMIM 616394.
IFT172-related disorder. Also called: IFT172-related disorders; IFT172-related condition.

Submissions (2):

PreventionGenetics, part of Exact Sciences
Classification: Likely pathogenic for IFT172-related condition. Last evaluated: 2026-07-13. Review status: criteria provided, single submitter. Criteria: ACMG Guidelines, 2015. Collection method: clinical testing. Allele origin: germline.
Comment: The IFT172 c.2074delG variant is predicted to result in a frameshift and premature protein termination (p.Glu692Lysfs*9). This variant has not been reported in the literature or in a large population database (gnomAD), indicating this variant is rare. Frameshift variants in IFT172 are expected to be pathogenic. This variant is interpreted as likely pathogenic.

Fulgent Genetics
Classification: Likely pathogenic for Short-rib thoracic dysplasia 10 with or without polydactyly; Retinitis pigmentosa 71; Bardet-Biedl syndrome 20. Last evaluated: 2024-05-06. Review status: criteria provided, single submitter. Criteria: ACMG Guidelines, 2015. Collection method: clinical testing. Allele origin: germline.